The following is an entry in ClinVar:

NM_005257.6(GATA6):c.118T>C (p.Ser40Pro)

Gene: GATA6 (GATA binding protein 6; plus strand). Cytogenetic location: 18q11.2.
Variant type: single nucleotide variant.
Coding change: c.118T>C on transcript NM_005257.6 (MANE Select); coding-DNA position 118, T replaced by C.
Protein change: p.Ser40Pro; replaces serine 40 with proline.
Molecular consequence: missense variant.
Genome position (GRCh38, 1-based): chr18:22,171,262, T>C. VCF-style: chr18-22171262-T-C. GRCh37 (hg19) VCF-style: chr18-19751223-T-C.
Other names: short protein forms S40P.
Identifiers: ClinVar variation 3345168 (VCV003345168.1).

ClinVar aggregate classification (germline): Uncertain significance (0 of 4 stars; one submission).

Conditions:
GATA6-related disorder. Also called: GATA6-related condition.

gnomAD v4.1: 1 of 1,597,744 alleles (0.000063%); highest among the groups gnomAD compares: Non-Finnish European, 0.000085%; no homozygotes.

Submission:

PreventionGenetics, part of Exact Sciences
Classification: Uncertain significance for GATA6-related condition. Last evaluated: 2024-08-24. Review status: no assertion criteria provided. Collection method: clinical testing. Allele origin: germline.
Comment: The GATA6 c.118T>C variant is predicted to result in the amino acid substitution p.Ser40Pro. To our knowledge, this variant has not been reported in the literature or in a large population database, indicating this variant is rare. At this time, the clinical significance of this variant is uncertain due to the absence of conclusive functional and genetic evidence.